The following is an entry in ClinVar:

ClinVar aggregate classification (germline): Benign/Likely benign. Review status: criteria provided, multiple submitters, no conflicts (2 of 4 stars). 3 submissions from 3 submitters: Benign (1); Likely benign (2). Last evaluated 2026-05-15.

Conditions:
Hereditary cancer-predisposing syndrome. Also called: Hereditary neoplastic syndrome; Neoplastic Syndromes, Hereditary; Hereditary Cancer Syndrome; Tumor predisposition. Identifiers: Orphanet 140162, MedGen C0027672, MeSH D009386, MONDO:0015356.
Cardiovascular phenotype. Identifiers: MedGen CN230736.
Neurofibromatosis, type 1 (NF1). Also called: Peripheral type neurofibromatosis; Neurofibromatosis, type I; VON RECKLINGHAUSEN DISEASE; NEUROFIBROMATOSIS, TYPE I, SOMATIC. Identifiers: Orphanet 636, MedGen C0027831, MONDO:0018975, OMIM 162200. Disease mechanism: loss of function.

Allele frequency attached by ClinVar (database versions not stated): gnomAD exomes below 0.00001.
gnomAD v4.1: 2 of 1,607,638 alleles (0.00012%); highest among the groups gnomAD compares: Non-Finnish European, 0.00017%; no homozygotes.

Submissions (3):

Myriad Genetics, Inc.
Classification: Benign for Neurofibromatosis, type 1. Last evaluated: 2026-05-15. Review status: criteria provided, single submitter. Criteria: Myriad Autosomal Dominant, Autosomal Recessive and X-Linked Classification Criteria (2023). Collection method: clinical testing. Allele origin: unknown.
Comment: This variant is considered benign. This variant is a silent/synonymous amino acid change and it is not expected to impact splicing.

Labcorp Genetics (formerly Invitae), Labcorp
Classification: Likely benign for Neurofibromatosis, type 1. Last evaluated: 2025-08-07. Review status: criteria provided, single submitter. Criteria: Invitae Variant Classification Sherloc (09022015). Collection method: clinical testing. Allele origin: germline.

Ambry Genetics
Classification: Likely benign for Cardiovascular phenotype; Hereditary cancer-predisposing syndrome. Last evaluated: 2025-07-24. Review status: criteria provided, single submitter. Criteria: Ambry Variant Classification Scheme 2023. Collection method: clinical testing. Allele origin: germline.

NM_001042492.3(NF1):c.1431T>C (p.Phe477=)

Gene: NF1 (neurofibromin 1; plus strand). Cytogenetic location: 17q11.2.
Variant type: single nucleotide variant.
Coding change: c.1431T>C on transcript NM_001042492.3 (MANE Select); coding-DNA position 1431, T replaced by C.
Protein change: p.Phe477=; no amino-acid change (phenylalanine 477 retained).
Molecular consequence: synonymous variant.
Genome position (GRCh38, 1-based): chr17:31,214,489, T>C. VCF-style: chr17-31214489-T-C. GRCh37 (hg19) VCF-style: chr17-29541507-T-C.
Other names: c.1431T>C, p.Phe477= (NM_000267.4, NM_001128147.3).
Identifiers: ClinVar variation 457533 (VCV000457533.10), dbSNP rs1555612278, ClinGen allele CA499224815.
Genomic context (GRCh38, chr17:31,214,489, plus strand): 5'-CATGTTTTTGTTTTGTTTTTAGAGTCTTACATTTAAAGAAAAAGTAACAAGCCTTAAATT[T>C]AAAGAAAAACCTACAGACCTGGAGACAAGAAGCTATAAGTATCTTCTCTTGTCCATGGTG-3'
Protein context (NP_001035957.1, residues 467-487): TFKEKVTSLK[Phe477=]KEKPTDLETR